The following is an entry in ClinVar:

ClinVar aggregate classification (germline): Uncertain significance (1 of 4 stars; one submission).

Submission:

GeneDx
Classification: Uncertain significance. Last evaluated: 2025-05-20. Review status: criteria provided, single submitter. Criteria: GeneDx Variant Classification Process June 2021. Collection method: clinical testing. Allele origin: germline. Affected: yes.
Comment: Not observed at significant frequency in large population cohorts (gnomAD); In silico analysis suggests that this missense variant does not alter protein structure/function; Has not been previously published as pathogenic or benign to our knowledge

NM_001271696.3(ABCB7):c.272A>C (p.Glu91Ala)

Gene: ABCB7 (ATP binding cassette subfamily B member 7; minus strand). Cytogenetic location: Xq13.3.
Variant type: single nucleotide variant.
Coding change: c.272A>C on transcript NM_001271696.3 (MANE Select); coding-DNA position 272, A replaced by C.
Protein change: p.Glu91Ala; replaces glutamic acid 91 with alanine.
Molecular consequence: missense variant.
Genome position (GRCh38, 1-based): chrX:75,112,947, T>G on the plus strand (A>C on the coding strand, the complement: ABCB7 is on the minus strand). VCF-style: chrX-75112947-T-G. GRCh37 (hg19) VCF-style: chrX-74332782-T-G.
Other names: c.272A>C, p.Glu91Ala (NM_001271697.3); c.194A>C, p.Glu65Ala (NM_001271698.3); c.275A>C, p.Glu92Ala (NM_001271699.3, NM_004299.6); short protein forms E65A, E91A, E92A.
Identifiers: ClinVar variation 4530983 (VCV004530983.1).